The following is an entry in ClinVar:

ClinVar aggregate classification (germline): Uncertain significance. Review status: criteria provided, multiple submitters, no conflicts (2 of 4 stars). 2 submissions from 2 submitters: Uncertain significance (2). Last evaluated 2025-06-12.

Conditions:
Inborn genetic diseases. Identifiers: MedGen C0950123, MeSH D030342.
Hepatic veno-occlusive disease-immunodeficiency syndrome. Also called: Hepatic Veno-Occlusive Disease with Immunodeficiency. Identifiers: Orphanet 79124, MedGen C1856128, MONDO:0009338, OMIM 235550. Disease mechanism: loss of function.

Allele frequency attached by ClinVar (database versions not stated): ExAC 0.00003; gnomAD 0.00004 and 0.00005; gnomAD exomes 0.00004 and 0.00008; TOPMed 0.00005; 1000 Genomes Project 0.00020; 1000 Genomes Project 30x 0.00031.
gnomAD v4.1: 128 of 1,614,174 alleles (0.0079%); highest among the groups gnomAD compares: Non-Finnish European, 0.01%; no homozygotes.

Submissions (2):

Ambry Genetics
Classification: Uncertain significance for Inborn genetic diseases. Last evaluated: 2025-06-12. Review status: criteria provided, single submitter. Criteria: Ambry Variant Classification Scheme 2023. Collection method: clinical testing. Allele origin: germline.

Labcorp Genetics (formerly Invitae), Labcorp
Classification: Uncertain significance for Hepatic veno-occlusive disease-immunodeficiency syndrome. Last evaluated: 2021-12-27. Review status: criteria provided, single submitter. Criteria: Invitae Variant Classification Sherloc (09022015). Collection method: clinical testing. Allele origin: germline.
Comment: This sequence change replaces lysine, which is basic and polar, with threonine, which is neutral and polar, at codon 310 of the SP110 protein (p.Lys310Thr). This variant is present in population databases (rs200591551, gnomAD 0.007%). This variant has not been reported in the literature in individuals affected with SP110-related conditions. ClinVar contains an entry for this variant (Variation ID: 567478). Algorithms developed to predict the effect of missense changes on protein structure and function output the following: SIFT: "Tolerated"; PolyPhen-2: "Benign"; Align-GVGD: "Class C0". The threonine amino acid residue is found in multiple mammalian species, which suggests that this missense change does not adversely affect protein function. In summary, the available evidence is currently insufficient to determine the role of this variant in disease. Therefore, it has been classified as a Variant of Uncertain Significance.

NM_080424.4(SP110):c.929A>C (p.Lys310Thr)

Genes: SP110 (SP110 nuclear body protein; minus strand), SP140 (SP140 nuclear body protein; plus strand). Cytogenetic location: 2q37.1.
Variant type: single nucleotide variant.
Coding change: c.929A>C on transcript NM_080424.4 (MANE Select); coding-DNA position 929, A replaced by C.
Protein change: p.Lys310Thr; replaces lysine 310 with threonine.
Molecular consequence: missense variant. On other transcripts: intron variant (1).
Genome position (GRCh38, 1-based): chr2:230,202,698, T>G on the plus strand (A>C on the coding strand, the complement: SP110 is on the minus strand). VCF-style: chr2-230202698-T-G. GRCh37 (hg19) VCF-style: chr2-231067414-T-G.
Other names: c.947A>C, p.Lys316Thr (NM_001185015.2, NM_001378442.1, NM_001378444.1 and 2 more transcripts); c.929A>C, p.Lys310Thr (NM_001378443.1, NM_004509.5, NM_004510.4); c.899-1733A>C (NM_001378447.1); short protein forms K310T, K316T.
Identifiers: ClinVar variation 567478 (VCV000567478.10), dbSNP rs200591551, ClinGen allele CA2154678.